The following is an entry in ClinVar:

NM_004260.4(RECQL4):c.1223_1224insT (p.Gln408fs)

Gene: RECQL4 (RecQ like helicase 4; minus strand). Cytogenetic location: 8q24.3.
Variant type: Insertion.
Coding change: c.1223_1224insT on transcript NM_004260.4 (MANE Select); coding-DNA positions 1223 to 1224, T inserted.
Protein change: p.Gln408fs; shifts the reading frame from glutamine 408.
Molecular consequence: frameshift variant.
Genome position: GRCh38 VCF-style: chr8-144515798-C-CA. GRCh37 (hg19) VCF-style: chr8-145741182-C-CA.
Other names: short protein forms Q408fs.
Identifiers: ClinVar variation 640388 (VCV000640388.5), dbSNP rs1586819343, ClinGen allele CA915947397.

ClinVar aggregate classification (germline): Pathogenic (1 of 4 stars; one submission).

Conditions:
Baller-Gerold syndrome (BGS). Also called: CRANIOSYNOSTOSIS WITH RADIAL DEFECTS. Identifiers: Orphanet 1225, MedGen C0265308, MONDO:0009039, OMIM 218600.

Allele frequency attached by ClinVar (database versions not stated): gnomAD exomes below 0.00001; TOPMed 0.00001.

Submission:

Labcorp Genetics (formerly Invitae), Labcorp
Classification: Pathogenic for Baller-Gerold syndrome. Last evaluated: 2022-12-09. Review status: criteria provided, single submitter. Criteria: Invitae Variant Classification Sherloc (09022015). Collection method: clinical testing. Allele origin: germline.
Comment: For these reasons, this variant has been classified as Pathogenic. Algorithms developed to predict the effect of sequence changes on RNA splicing suggest that this variant may disrupt the consensus splice site. ClinVar contains an entry for this variant (Variation ID: 640388). This variant has not been reported in the literature in individuals affected with RECQL4-related conditions. This variant is not present in population databases (gnomAD no frequency). This sequence change creates a premature translational stop signal (p.Gln408Hisfs*15) in the RECQL4 gene. It is expected to result in an absent or disrupted protein product. Loss-of-function variants in RECQL4 are known to be pathogenic (PMID: 12734318, 12952869).

Literature cited by the submitters: PubMed 12734318; PubMed 12952869.